The following is an entry in ClinVar:

ClinVar aggregate classification (germline): Uncertain significance. Review status: criteria provided, multiple submitters, no conflicts (2 of 4 stars). 3 submissions from 3 submitters: Uncertain significance (3). Last evaluated 2025-08-23.

Conditions:
Hereditary cancer-predisposing syndrome. Also called: Hereditary neoplastic syndrome; Tumor predisposition; Neoplastic Syndromes, Hereditary; Hereditary Cancer Syndrome. Identifiers: Orphanet 140162, MedGen C0027672, MeSH D009386, MONDO:0015356.
Cardiovascular phenotype. Identifiers: MedGen CN230736.

Allele frequency attached by ClinVar (database versions not stated): gnomAD exomes below 0.00001; gnomAD 0.00001.
gnomAD v4.1: 2 of 1,613,486 alleles (0.00012%); highest among the groups gnomAD compares: Admixed American, 0.0017%; no homozygotes.

Submissions (3):

Ambry Genetics
Classification: Uncertain significance for Cardiovascular phenotype; Hereditary cancer-predisposing syndrome. Last evaluated: 2025-08-23. Review status: criteria provided, single submitter. Criteria: Ambry Variant Classification Scheme 2023. Collection method: clinical testing. Allele origin: germline.
Comment: The p.A745V variant (also known as c.2234C>T), located in coding exon 19 of the LZTR1 gene, results from a C to T substitution at nucleotide position 2234. The alanine at codon 745 is replaced by valine, an amino acid with similar properties. This amino acid position is highly conserved in available vertebrate species. In addition, the in silico prediction for this alteration is inconclusive. Since supporting evidence is limited at this time, the clinical significance of this alteration remains unclear.

Labcorp Genetics (formerly Invitae), Labcorp
Classification: Uncertain significance. Last evaluated: 2025-03-05. Review status: criteria provided, single submitter. Criteria: Invitae Variant Classification Sherloc (09022015). Collection method: clinical testing. Allele origin: germline.
Comment: This sequence change replaces alanine, which is neutral and non-polar, with valine, which is neutral and non-polar, at codon 745 of the LZTR1 protein (p.Ala745Val). This variant is present in population databases (no rsID available, gnomAD 0.003%). This variant has not been reported in the literature in individuals affected with LZTR1-related conditions. ClinVar contains an entry for this variant (Variation ID: 1700364). Invitae Evidence Modeling of protein sequence and biophysical properties (such as structural, functional, and spatial information, amino acid conservation, physicochemical variation, residue mobility, and thermodynamic stability) indicates that this missense variant is not expected to disrupt LZTR1 protein function with a negative predictive value of 80%. In summary, the available evidence is currently insufficient to determine the role of this variant in disease. Therefore, it has been classified as a Variant of Uncertain Significance.

GeneDx
Classification: Uncertain significance. Last evaluated: 2022-10-28. Review status: criteria provided, single submitter. Criteria: GeneDx Variant Classification Process June 2021. Collection method: clinical testing. Allele origin: germline. Affected: yes.
Comment: Not observed at significant frequency in large population cohorts (gnomAD); In silico analysis supports that this missense variant has a deleterious effect on protein structure/function; Has not been previously published as pathogenic or benign to our knowledge

NM_006767.4(LZTR1):c.2234C>T (p.Ala745Val)

Gene: LZTR1 (leucine zipper like post translational regulator 1; plus strand). Cytogenetic location: 22q11.21.
Variant type: single nucleotide variant.
Coding change: c.2234C>T on transcript NM_006767.4 (MANE Select); coding-DNA position 2234, C replaced by T.
Protein change: p.Ala745Val; replaces alanine 745 with valine.
Molecular consequence: missense variant.
Genome position (GRCh38, 1-based): chr22:20,996,710, C>T. VCF-style: chr22-20996710-C-T. GRCh37 (hg19) VCF-style: chr22-21350999-C-T.
Other names: short protein forms A745V.
Identifiers: ClinVar variation 1700364 (VCV001700364.7), dbSNP rs1189643616, ClinGen allele CA410780754.